The following is an entry in ClinVar:

NM_020964.3(EPG5):c.6765C>T (p.Pro2255=)

Gene: EPG5 (ectopic P-granules 5 autophagy tethering factor; minus strand). Cytogenetic location: 18q12.3.
Variant type: single nucleotide variant.
Coding change: c.6765C>T on transcript NM_020964.3 (MANE Select); coding-DNA position 6765, C replaced by T.
Protein change: p.Pro2255=; no amino-acid change (proline 2255 retained).
Molecular consequence: synonymous variant.
Genome position (GRCh38, 1-based): chr18:45,865,616, G>A on the plus strand (C>T on the coding strand, the complement: EPG5 is on the minus strand). VCF-style: chr18-45865616-G-A. GRCh37 (hg19) VCF-style: chr18-43445581-G-A.
Other names: c.6765C>T, p.Pro2255= (LRG_1234t1).
Identifiers: ClinVar variation 640115 (VCV000640115.10), dbSNP rs200203116, ClinGen allele CA8948177.
Genomic context (GRCh38, chr18:45,865,616, plus strand): 5'-TTACGCACAGCAGGAATGCATTGACTGAATGAATACAGGACTTCCGACTGGTCACTTACC[G>A]GGCGGGTTAAAGACAATGATATCGTCTAAGAGCTTAGACATTTCCTGTTCTAGGACTGCT-3'
Protein context (NP_066015.2, residues 2245-2265): LLDDIIVFNP[Pro2255=]DMDSQTRHMA

ClinVar aggregate classification (germline): Conflicting classifications of pathogenicity. Review status: criteria provided, conflicting classifications (1 of 4 stars). 3 submissions from 3 submitters: Uncertain significance (1); Likely benign (1). 1 of the submissions does not count toward it. Last evaluated 2024-09-10.

Conditions:
EPG5-related disorder. Also called: EPG5-related condition. Identifiers: MedGen CN381528.
Vici syndrome (VICIS). Identifiers: Orphanet 1493, MedGen C1855772, MONDO:0009452, OMIM 242840.

Allele frequency attached by ClinVar (database versions not stated): gnomAD 0.00011 and 0.00013; gnomAD exomes 0.00014 and 0.00021; TOPMed 0.00014; ESP Exome Variant Server 0.00016; ExAC 0.00025; 1000 Genomes Project 0.00040; 1000 Genomes Project 30x 0.00047.
gnomAD v4.1: 240 of 1,613,826 alleles (0.015%); highest among the groups gnomAD compares: South Asian, 0.067%; no homozygotes.

Submissions (3):

Blueprint Genetics
Classification: Likely benign. Last evaluated: 2024-09-10. Review status: criteria provided, single submitter. Criteria: ACMG Guidelines, 2015. Collection method: clinical testing. Allele origin: germline.

Labcorp Genetics (formerly Invitae), Labcorp
Classification: Uncertain significance for Vici syndrome. Last evaluated: 2022-10-03. Review status: criteria provided, single submitter. Criteria: Invitae Variant Classification Sherloc (09022015). Collection method: clinical testing. Allele origin: germline.
Comment: This sequence change affects codon 2255 of the EPG5 mRNA. It is a 'silent' change, meaning that it does not change the encoded amino acid sequence of the EPG5 protein. It affects a nucleotide within the consensus splice site. This variant is present in population databases (rs200203116, gnomAD 0.07%). This variant has not been reported in the literature in individuals affected with EPG5-related conditions. ClinVar contains an entry for this variant (Variation ID: 640115). Algorithms developed to predict the effect of sequence changes on RNA splicing suggest that this variant is not likely to affect RNA splicing. In summary, the available evidence is currently insufficient to determine the role of this variant in disease. Therefore, it has been classified as a Variant of Uncertain Significance.

PreventionGenetics, part of Exact Sciences
Classification: Likely benign for EPG5-related condition. Last evaluated: 2019-04-10. Review status: no assertion criteria provided. Collection method: clinical testing. Allele origin: germline. Not counted in ClinVar's aggregate classification.
Comment: This variant is classified as likely benign based on ACMG/AMP sequence variant interpretation guidelines (Richards et al. 2015 PMID: 25741868, with internal and published modifications).